The following is an entry in ClinVar:

NM_004360.5(CDH1):c.1741C>T (p.Leu581Phe)

Gene: CDH1 (cadherin 1; plus strand). Cytogenetic location: 16q22.1.
Variant type: single nucleotide variant.
Coding change: c.1741C>T on transcript NM_004360.5 (MANE Select); coding-DNA position 1741, C replaced by T.
Protein change: p.Leu581Phe; replaces leucine 581 with phenylalanine.
Molecular consequence: missense variant. On other transcripts: 5 prime UTR variant (1).
Genome position (GRCh38, 1-based): chr16:68,822,030, C>T. VCF-style: chr16-68822030-C-T. GRCh37 (hg19) VCF-style: chr16-68855933-C-T.
Other names: c.1741C>T (LRG_301t1); c.1558C>T, p.Leu520Phe (NM_001317184.2); c.193C>T, p.Leu65Phe (NM_001317185.2); c.-225C>T (NM_001317186.2); short protein forms L581F, L65F, L520F.
Identifiers: ClinVar variation 568581 (VCV000568581.14), dbSNP rs1567512154, ClinGen allele CA396466375.

ClinVar aggregate classification (germline): Uncertain significance. Review status: criteria provided, multiple submitters, no conflicts (2 of 4 stars). 5 submissions from 5 submitters: Uncertain significance (5). Last evaluated 2025-06-08.

Conditions:
Blepharocheilodontic syndrome 1 (BCDS1). Identifiers: Orphanet 1997, MedGen C4551988, MONDO:0054740, OMIM 119580.
Familial cancer of breast. Also called: BREAST CANCER, FAMILIAL; hereditary breast carcinoma; Hereditary breast cancer. Identifiers: Orphanet 227535, MedGen C0346153, MONDO:0016419, OMIM 114480. Disease mechanism: loss of function.
Endometrial carcinoma. Also called: Endometrial carcinoma, somatic. Identifiers: MedGen C0476089, MONDO:0002447, OMIM 608089, HP:0012114.
Hereditary diffuse gastric adenocarcinoma (HDGC). Also called: DIFFUSE GASTRIC AND LOBULAR BREAST CANCER SYNDROME. Identifiers: Orphanet 26106, MedGen C1708349, MONDO:0007648, OMIM 137215.
Ovarian neoplasm. Also called: Ovarian tumor; Neoplasm of ovary; Ovarian Neoplasms. Identifiers: MedGen C0919267, MeSH D010051, MONDO:0021068, HP:0100615.
Prostate cancer. Also called: Malignant tumor of prostate. Identifiers: Orphanet 1331, MedGen C0376358, MONDO:0008315, HP:0012125.
Hereditary cancer-predisposing syndrome. Also called: Neoplastic Syndromes, Hereditary; Hereditary neoplastic syndrome; Tumor predisposition; Hereditary Cancer Syndrome. Identifiers: Orphanet 140162, MedGen C0027672, MeSH D009386, MONDO:0015356.

Submissions (5):

Labcorp Genetics (formerly Invitae), Labcorp
Classification: Uncertain significance for Hereditary diffuse gastric adenocarcinoma. Last evaluated: 2025-06-08. Review status: criteria provided, single submitter. Criteria: Invitae Variant Classification Sherloc (09022015). Collection method: clinical testing. Allele origin: germline.
Comment: This sequence change replaces leucine, which is neutral and non-polar, with phenylalanine, which is neutral and non-polar, at codon 581 of the CDH1 protein (p.Leu581Phe). This variant is not present in population databases (gnomAD no frequency). This variant has not been reported in the literature in individuals affected with CDH1-related conditions. ClinVar contains an entry for this variant (Variation ID: 568581). An algorithm developed to predict the effect of missense changes on protein structure and function outputs the following: PolyPhen-2: "Benign". The phenylalanine amino acid residue is found in multiple mammalian species, which suggests that this missense change does not adversely affect protein function. In summary, the available evidence is currently insufficient to determine the role of this variant in disease. Therefore, it has been classified as a Variant of Uncertain Significance.

GeneDx
Classification: Uncertain significance. Last evaluated: 2025-03-04. Review status: criteria provided, single submitter. Criteria: GeneDx Variant Classification Process June 2021. Collection method: clinical testing. Allele origin: germline. Affected: yes.
Comment: Not observed at significant frequency in large population cohorts (gnomAD); In silico analysis supports that this missense variant has a deleterious effect on protein structure/function; Has not been previously published as pathogenic or benign to our knowledge; This variant is associated with the following publications: (PMID: 15235021, 22850631)

Color Diagnostics, LLC DBA Color Health
Classification: Uncertain significance for Hereditary cancer-predisposing syndrome. Last evaluated: 2024-04-11. Review status: criteria provided, single submitter. Criteria: ACMG Guidelines, 2015. Collection method: clinical testing. Allele origin: germline.
Comment: This missense variant replaces leucine with phenylalanine at codon 581 of the CDH1 protein. To our knowledge, functional studies have not been reported for this variant. This variant has not been reported in individuals affected with CDH1-related disorders in the literature. This variant has not been identified in the general population by the Genome Aggregation Database (gnomAD). The available evidence is insufficient to determine the role of this variant in disease conclusively. Therefore, this variant is classified as a Variant of Uncertain Significance.

Ambry Genetics
Classification: Uncertain significance for Hereditary cancer-predisposing syndrome. Last evaluated: 2024-01-04. Review status: criteria provided, single submitter. Criteria: Ambry Variant Classification Scheme 2023. Collection method: clinical testing. Allele origin: germline.
Comment: The p.L581F variant (also known as c.1741C>T), located in coding exon 12 of the CDH1 gene, results from a C to T substitution at nucleotide position 1741. The leucine at codon 581 is replaced by phenylalanine, an amino acid with highly similar properties. This amino acid position is well conserved in available vertebrate species. In addition, this alteration is predicted to be tolerated by in silico analysis. Since supporting evidence is limited at this time, the clinical significance of this alteration remains unclear.

Fulgent Genetics
Classification: Uncertain significance for Familial cancer of breast; Blepharocheilodontic syndrome 1; Hereditary diffuse gastric adenocarcinoma; Ovarian cancer; Familial prostate cancer; Endometrial carcinoma. Last evaluated: 2021-11-10. Review status: criteria provided, single submitter. Criteria: ACMG Guidelines, 2015. Collection method: clinical testing. Allele origin: unknown.